The following is an entry in ClinVar:

NM_004369.4(COL6A3):c.2215A>G (p.Ile739Val)

Gene: COL6A3 (collagen type VI alpha 3 chain; minus strand). Cytogenetic location: 2q37.3.
Variant type: single nucleotide variant.
Coding change: c.2215A>G on transcript NM_004369.4 (MANE Select); coding-DNA position 2215, A replaced by G.
Protein change: p.Ile739Val; replaces isoleucine 739 with valine.
Molecular consequence: missense variant. On other transcripts: intron variant (1).
Genome position (GRCh38, 1-based): chr2:237,378,918, T>C on the plus strand (A>G on the coding strand, the complement: COL6A3 is on the minus strand). VCF-style: chr2-237378918-T-C. GRCh37 (hg19) VCF-style: chr2-238287561-T-C.
Other names: c.994A>G, p.Ile332Val (NM_057164.5); c.1597A>G, p.Ile533Val (NM_057165.5, NM_057167.4); c.677-1574A>G (NM_057166.5); short protein forms I533V, I332V, I739V.
Identifiers: ClinVar variation 4760469 (VCV004760469.1).

ClinVar aggregate classification (germline): Uncertain significance (1 of 4 stars; one submission).

Conditions:
Bethlem myopathy 1A. Also called: Bethlem myopathy 1; Bethlem Muscular Dystrophy; MYOPATHY, BENIGN CONGENITAL, WITH CONTRACTURES. Identifiers: Orphanet 610, MedGen CN029274, MONDO:0024530, OMIM 158810.

gnomAD v4.1: 1 of 1,614,194 alleles (0.000062%); highest among the groups gnomAD compares: African/African-American, 0.0013%; no homozygotes.

Submission:

Labcorp Genetics (formerly Invitae), Labcorp
Classification: Uncertain significance for Bethlem myopathy 1A. Last evaluated: 2025-07-13. Review status: criteria provided, single submitter. Criteria: Invitae Variant Classification Sherloc (09022015). Collection method: clinical testing. Allele origin: germline.
Comment: This sequence change replaces isoleucine, which is neutral and non-polar, with valine, which is neutral and non-polar, at codon 739 of the COL6A3 protein (p.Ile739Val). This variant is not present in population databases (gnomAD no frequency). This variant has not been reported in the literature in individuals affected with COL6A3-related conditions. Invitae Evidence Modeling of protein sequence and biophysical properties (such as structural, functional, and spatial information, amino acid conservation, physicochemical variation, residue mobility, and thermodynamic stability) indicates that this missense variant is not expected to disrupt COL6A3 protein function with a negative predictive value of 95%. In summary, the available evidence is currently insufficient to determine the role of this variant in disease. Therefore, it has been classified as a Variant of Uncertain Significance.